The following is an entry in ClinVar:

NM_000154.2(GALK1):c.530del (p.Phe177fs)

Gene: GALK1 (galactokinase 1; minus strand). Cytogenetic location: 17q25.1.
Variant type: Deletion.
Coding change: c.530del on transcript NM_000154.2 (MANE Select); coding-DNA position 530, one base deleted (T; older notation c.530delT).
Protein change: p.Phe177fs; shifts the reading frame from phenylalanine 177.
Molecular consequence: frameshift variant.
Genome position (GRCh38, 1-based): chr17:75,763,095, A deleted on the plus strand (T on the coding strand, the reverse complement: GALK1 is on the minus strand); the first of 2 consecutive A bases (chr17:75,763,095-75,763,096); deleting either gives the same sequence. VCF-style (leftmost placement, unchanged base first): chr17-75763094-GA-G. GRCh37 (hg19) VCF-style: chr17-73759175-GA-G.
Other names: c.530del, p.Phe177fs (NM_001381985.1); short protein forms F177fs.
Identifiers: ClinVar variation 953334 (VCV000953334.8), dbSNP rs2061594762, ClinGen allele CA1139665886.
Genomic context (GRCh38, chr17:75,763,094, plus strand): 5'-GTGGCCTTTCTGTCCCATAAGTGAGATGAACTGGTCCATGATGCCACAGGGCATCCCTGC[GA>G]AGCTGTGCTCGGCCTGCTGACACACCTGGGCGCGGGCAGCTATTGTGCCCGAGTCTGCAG-3'

ClinVar aggregate classification (germline): Pathogenic (1 of 4 stars; one submission).

Conditions:
Deficiency of galactokinase. Also called: GALACTOSEMIA II; Galactokinase deficiency with cataracts. Identifiers: Orphanet 352, Orphanet 79237, MedGen C0268155, MONDO:0009255, OMIM 230200.

Submission:

Labcorp Genetics (formerly Invitae), Labcorp
Classification: Pathogenic for Deficiency of galactokinase. Last evaluated: 2019-07-26. Review status: criteria provided, single submitter. Criteria: Invitae Variant Classification Sherloc (09022015). Collection method: clinical testing. Allele origin: germline.
Comment: This variant is not present in population databases (ExAC no frequency). For these reasons, this variant has been classified as Pathogenic. Loss-of-function variants in GALK1 are known to be pathogenic (PMID: 7670469, 10790206). This variant has not been reported in the literature in individuals with GALK1-related conditions. This sequence change creates a premature translational stop signal (p.Phe177Serfs*87) in the GALK1 gene. It is expected to result in an absent or disrupted protein product.

Literature cited by the submitters: PubMed 7670469; PubMed 10790206.